The following is an entry in ClinVar:

NM_001649.4(SHROOM2):c.1433G>A (p.Arg478Gln)

Gene: SHROOM2 (shroom family member 2; plus strand). Cytogenetic location: Xp22.2.
Variant type: single nucleotide variant.
Coding change: c.1433G>A on transcript NM_001649.4 (MANE Select); coding-DNA position 1433, G replaced by A.
Protein change: p.Arg478Gln; replaces arginine 478 with glutamine.
Molecular consequence: missense variant.
Genome position (GRCh38, 1-based): chrX:9,895,341, G>A. VCF-style: chrX-9895341-G-A. GRCh37 (hg19) VCF-style: chrX-9863381-G-A.
Other names: short protein forms R478Q.
Identifiers: ClinVar variation 4583675 (VCV004583675.1).

ClinVar aggregate classification (germline): Uncertain significance (1 of 4 stars; one submission).

gnomAD v4.1: 6 of 1,176,287 alleles (0.00051%); highest among the groups gnomAD compares: Admixed American, 0.0048%; no homozygotes.

Submission:

Ambry Genetics
Classification: Uncertain significance. Last evaluated: 2025-11-08. Review status: criteria provided, single submitter. Criteria: Ambry Variant Classification Scheme 2023. Collection method: clinical testing. Allele origin: germline.
Comment: The c.1433G>A (p.R478Q) alteration is located in exon 4 (coding exon 4) of the SHROOM2 gene. This alteration results from a G to A substitution at nucleotide position 1433, causing the arginine (R) at amino acid position 478 to be replaced by a glutamine (Q). Based on data from gnomAD, the A allele has an overall frequency of 0.001% (1/144611) total alleles studied. The highest observed frequency was 0.002% (1/64497) of European (non-Finnish) alleles. Based on insufficient or conflicting evidence, the clinical significance of this alteration remains unclear.